The following is an entry in ClinVar:

NM_003047.5(SLC9A1):c.1830C>G (p.His610Gln)

Gene: SLC9A1 (solute carrier family 9 member A1; minus strand). Cytogenetic location: 1p36.11.
Variant type: single nucleotide variant.
Coding change: c.1830C>G on transcript NM_003047.5 (MANE Select); coding-DNA position 1830, C replaced by G.
Protein change: p.His610Gln; replaces histidine 610 with glutamine.
Molecular consequence: missense variant. On other transcripts: non-coding transcript variant (1).
Genome position (GRCh38, 1-based): chr1:27,102,121, G>C on the plus strand (C>G on the coding strand, the complement: SLC9A1 is on the minus strand). VCF-style: chr1-27102121-G-C. GRCh37 (hg19) VCF-style: chr1-27428612-G-C.
Other names: short protein forms H610Q.
Identifiers: ClinVar variation 1305024 (VCV001305024.2), dbSNP rs1392044134, ClinGen allele CA339181250.

ClinVar aggregate classification (germline): Uncertain significance (1 of 4 stars; one submission).

Allele frequency attached by ClinVar (database versions not stated): TOPMed below 0.00001; gnomAD 0.00001.

Submission:

GeneDx
Classification: Uncertain significance. Last evaluated: 2019-04-05. Review status: criteria provided, single submitter. Criteria: GeneDx Variant Classification Process June 2021. Collection method: clinical testing. Allele origin: germline. Affected: yes.
Comment: In silico analysis, which includes protein predictors and evolutionary conservation, supports that this variant does not alter protein structure/function; Has not been previously published as pathogenic or benign to our knowledge